The following is an entry in ClinVar:

NM_172107.4(KCNQ2):c.1045A>G (p.Thr349Ala)

Gene: KCNQ2 (potassium voltage-gated channel subfamily Q member 2; minus strand). Cytogenetic location: 20q13.33.
Variant type: single nucleotide variant.
Coding change: c.1045A>G on transcript NM_172107.4 (MANE Select); coding-DNA position 1045, A replaced by G.
Protein change: p.Thr349Ala; replaces threonine 349 with alanine.
Molecular consequence: missense variant.
Genome position (GRCh38, 1-based): chr20:63,433,882, T>C on the plus strand (A>G on the coding strand, the complement: KCNQ2 is on the minus strand). VCF-style: chr20-63433882-T-C. GRCh37 (hg19) VCF-style: chr20-62065235-T-C.
Other names: c.1045A>G, p.Thr349Ala (NM_001382235.1, NM_004518.6, NM_172106.3 and 2 more transcripts); short protein forms T349A.
Identifiers: ClinVar variation 1335466 (VCV001335466.35), dbSNP rs2145680256, ClinGen allele CA409651228.
Genomic context (GRCh38, chr20:63,433,882, plus strand): 5'-CGGTGACCGTTCGCTCGTAGTACTGCCACGTGGAGTGCAGGTCTGTGCGCGAGAGGTTGG[T>C]GGCGTAGAATCTCCAGGCCGACTGCGGAGGGAAAGACAAGGCAGTTGGCGAGGGGCAGGC-3'
Protein context (NP_742105.1, residues 339-359): LIQSAWRFYA[Thr349Ala]NLSRTDLHST

ClinVar aggregate classification (germline): Likely pathogenic (1 of 4 stars; one submission).

Submission:

CeGaT Center for Human Genetics Tuebingen
Classification: Likely pathogenic. Last evaluated: 2023-03-01. Review status: criteria provided, single submitter. Criteria: CeGaT Center For Human Genetics Tuebingen Variant Classification Criteria Version 2. Collection method: clinical testing. Allele origin: germline. Affected: yes. Observed: 1 variant allele.
Comment: KCNQ2: PM2, PM6, PP2, PP3, PP4